The following is an entry in ClinVar:

NM_021072.4(HCN1):c.2528G>C (p.Arg843Pro)

Gene: HCN1 (hyperpolarization activated cyclic nucleotide gated potassium channel 1; minus strand). Cytogenetic location: 5p12.
Variant type: single nucleotide variant.
Coding change: c.2528G>C on transcript NM_021072.4 (MANE Select); coding-DNA position 2528, G replaced by C.
Protein change: p.Arg843Pro; replaces arginine 843 with proline.
Molecular consequence: missense variant.
Genome position (GRCh38, 1-based): chr5:45,262,066, C>G on the plus strand (G>C on the coding strand, the complement: HCN1 is on the minus strand). VCF-style: chr5-45262066-C-G. GRCh37 (hg19) VCF-style: chr5-45262168-C-G.
Other names: short protein forms R843P.
Identifiers: ClinVar variation 3902860 (VCV003902860.1).
Genomic context (GRCh38, chr5:45,262,066, plus strand): 5'-GGTGGAGGGGGTGCTGGAGGGACTCCTCGGTTCGGGGGGATGGCTCCCGACGACATCTGT[C>G]GGAAGAGGGTGACGCGCTGCGGGACAGTGCTCCTGCCCCCTGCCTGAAGGCCCGTTCCGG-3'
Protein context (NP_066550.2, residues 833-853): STVPQRVTLF[Arg843Pro]QMSSGAIPPN

ClinVar aggregate classification (germline): Uncertain significance (1 of 4 stars; one submission).

Submission:

GeneDx
Classification: Uncertain significance. Last evaluated: 2024-12-06. Review status: criteria provided, single submitter. Criteria: GeneDx Variant Classification Process June 2021. Collection method: clinical testing. Allele origin: germline. Affected: yes.
Comment: Not observed at significant frequency in large population cohorts (gnomAD); In silico analysis indicates that this missense variant does not alter protein structure/function; Has not been previously published as pathogenic or benign to our knowledge